The following is an entry in ClinVar:

NM_206933.4(USH2A):c.3956del (p.Pro1319fs)

Genes: USH2A (usherin; minus strand), USH2A-AS1 (USH2A antisense RNA 1; plus strand). Cytogenetic location: 1q41.
Variant type: Deletion.
Coding change: c.3956del on transcript NM_206933.4 (MANE Select); coding-DNA position 3956, one base deleted (C; older notation c.3956delC).
Protein change: p.Pro1319fs; shifts the reading frame from proline 1319.
Molecular consequence: frameshift variant.
Genome position (GRCh38, 1-based): chr1:216,198,440, G deleted on the plus strand (C on the coding strand, the reverse complement: USH2A is on the minus strand); the first of 2 consecutive G bases (chr1:216,198,440-216,198,441); deleting either gives the same sequence. VCF-style (leftmost placement, unchanged base first): chr1-216198439-AG-A. GRCh37 (hg19) VCF-style: chr1-216371781-AG-A.
Other names: c.3956del, p.Pro1319fs (NM_007123.6); short protein forms P1319fs.
Identifiers: ClinVar variation 1451568 (VCV001451568.6), dbSNP rs2102464077, ClinGen allele CA2573132006.
Genomic context (GRCh38, chr1:216,198,439, plus strand): 5'-GACTCTGAACTCATACTTGGTGTATGGCTCCAAGCCAGTGATGGTTGTCATTGTTTGAGG[AG>A]GTTTTAATGCATTTTCATTGGCCGATTCTACAAATGAATGAGGACTGAGCCAACCACTGC-3'

ClinVar aggregate classification (germline): Pathogenic (1 of 4 stars; one submission).

Submission:

Labcorp Genetics (formerly Invitae), Labcorp
Classification: Pathogenic. Last evaluated: 2024-01-02. Review status: criteria provided, single submitter. Criteria: Invitae Variant Classification Sherloc (09022015). Collection method: clinical testing. Allele origin: germline.
Comment: This sequence change creates a premature translational stop signal (p.Pro1319Leufs*5) in the USH2A gene. It is expected to result in an absent or disrupted protein product. Loss-of-function variants in USH2A are known to be pathogenic (PMID: 10729113, 10909849, 20507924, 25649381). This variant is not present in population databases (gnomAD no frequency). This variant has not been reported in the literature in individuals affected with USH2A-related conditions. ClinVar contains an entry for this variant (Variation ID: 1451568). Algorithms developed to predict the effect of sequence changes on RNA splicing suggest that this variant may disrupt the consensus splice site. For these reasons, this variant has been classified as Pathogenic.

Literature cited by the submitters: PubMed 10729113; PubMed 10909849; PubMed 20507924; PubMed 25649381.